The following is an entry in ClinVar:

ClinVar aggregate classification (germline): Uncertain significance (1 of 4 stars; one submission).

Submission:

Labcorp Genetics (formerly Invitae), Labcorp
Classification: Uncertain significance. Last evaluated: 2022-12-06. Review status: criteria provided, single submitter. Criteria: Invitae Variant Classification Sherloc (09022015). Collection method: clinical testing. Allele origin: germline.
Comment: In summary, the available evidence is currently insufficient to determine the role of this variant in disease. Therefore, it has been classified as a Variant of Uncertain Significance. Advanced modeling of protein sequence and biophysical properties (such as structural, functional, and spatial information, amino acid conservation, physicochemical variation, residue mobility, and thermodynamic stability) has been performed at Invitae for this missense variant, however the output from this modeling did not meet the statistical confidence thresholds required to predict the impact of this variant on ITPR1 protein function. ClinVar contains an entry for this variant (Variation ID: 1514502). This variant has not been reported in the literature in individuals affected with ITPR1-related conditions. This variant is not present in population databases (gnomAD no frequency). This sequence change replaces tyrosine, which is neutral and polar, with histidine, which is basic and polar, at codon 1582 of the ITPR1 protein (p.Tyr1582His).

NM_001378452.1(ITPR1):c.4816T>C (p.Tyr1606His)

Genes: BRRIAR (BHLHE40 and RIG-I regulating ITPR1 antisense RNA; minus strand), ITPR1 (inositol 1,4,5-trisphosphate receptor type 1; plus strand). Cytogenetic location: 3p26.1.
Variant type: single nucleotide variant.
Coding change: c.4816T>C on transcript NM_001378452.1 (MANE Select); coding-DNA position 4816, T replaced by C.
Protein change: p.Tyr1606His; replaces tyrosine 1606 with histidine.
Molecular consequence: missense variant.
Genome position (GRCh38, 1-based): chr3:4,706,325, T>C. VCF-style: chr3-4706325-T-C. GRCh37 (hg19) VCF-style: chr3-4748009-T-C.
Other names: c.4789T>C, p.Tyr1597His (NM_001099952.4); c.4771T>C, p.Tyr1591His (NM_001168272.2); c.4744T>C, p.Tyr1582His (NM_002222.7); short protein forms Y1582H, Y1597H, Y1591H, Y1606H.
Identifiers: ClinVar variation 1514502 (VCV001514502.6), dbSNP rs2125272987, ClinGen allele CA351635284.